The following is an entry in ClinVar:

ClinVar aggregate classification (germline): Uncertain significance (1 of 4 stars; one submission).

gnomAD v4.1: 1 of 1,210,489 alleles (0.000083%); highest among the groups gnomAD compares: Non-Finnish European, 0.00011%; no homozygotes.

Submission:

Labcorp Genetics (formerly Invitae), Labcorp
Classification: Uncertain significance. Last evaluated: 2024-09-26. Review status: criteria provided, single submitter. Criteria: Invitae Variant Classification Sherloc (09022015). Collection method: clinical testing. Allele origin: germline.
Comment: This sequence change replaces threonine, which is neutral and polar, with serine, which is neutral and polar, at codon 586 of the TLR7 protein (p.Thr586Ser). This variant is not present in population databases (gnomAD no frequency). This variant has not been reported in the literature in individuals affected with TLR7-related conditions. An algorithm developed to predict the effect of missense changes on protein structure and function (PolyPhen-2) suggests that this variant is likely to be tolerated. In summary, the available evidence is currently insufficient to determine the role of this variant in disease. Therefore, it has been classified as a Variant of Uncertain Significance.

NM_016562.4(TLR7):c.1756A>T (p.Thr586Ser)

Gene: TLR7 (toll like receptor 7; plus strand). Cytogenetic location: Xp22.2.
Variant type: single nucleotide variant.
Coding change: c.1756A>T on transcript NM_016562.4 (MANE Select); coding-DNA position 1756, A replaced by T.
Protein change: p.Thr586Ser; replaces threonine 586 with serine.
Molecular consequence: missense variant.
Genome position (GRCh38, 1-based): chrX:12,887,264, A>T. VCF-style: chrX-12887264-A-T. GRCh37 (hg19) VCF-style: chrX-12905383-A-T.
Other names: short protein forms T586S.
Identifiers: ClinVar variation 3683433 (VCV003683433.2).